The following is an entry in ClinVar:

ClinVar aggregate classification (germline): Uncertain significance (1 of 4 stars; one submission).

Conditions:
Hoyeraal-Hreidarsson syndrome (HHS). Also called: CEREBELLAR HYPOPLASIA WITH PANCYTOPENIA. Identifiers: Orphanet 3322, MedGen C1846142, MONDO:0018045.
Autosomal recessive dyskeratosis congenita. Identifiers: MedGen C3502105.

Allele frequency attached by ClinVar (database versions not stated): gnomAD exomes below 0.00001; gnomAD 0.00001; TOPMed 0.00002; ESP Exome Variant Server 0.00008.

Submission:

Labcorp Genetics (formerly Invitae), Labcorp
Classification: Uncertain significance for Hoyeraal-Hreidarsson syndrome; Autosomal recessive dyskeratosis congenita. Last evaluated: 2022-03-19. Review status: criteria provided, single submitter. Criteria: Invitae Variant Classification Sherloc (09022015). Collection method: clinical testing. Allele origin: germline.
Comment: Algorithms developed to predict the effect of sequence changes on RNA splicing suggest that this variant may create or strengthen a splice site. In summary, the available evidence is currently insufficient to determine the role of this variant in disease. Therefore, it has been classified as a Variant of Uncertain Significance. This sequence change replaces histidine, which is basic and polar, with arginine, which is basic and polar, at codon 175 of the DCLRE1B protein (p.His175Arg). This variant is not present in population databases (gnomAD no frequency). This variant has not been reported in the literature in individuals affected with DCLRE1B-related conditions. ClinVar contains an entry for this variant (Variation ID: 945540). Algorithms developed to predict the effect of missense changes on protein structure and function are either unavailable or do not agree on the potential impact of this missense change (SIFT: "Deleterious"; PolyPhen-2: "Probably Damaging"; Align-GVGD: "Class C0").

NM_022836.4(DCLRE1B):c.524A>G (p.His175Arg)

Gene: DCLRE1B (DNA cross-link repair 1B; plus strand). Cytogenetic location: 1p13.2.
Variant type: single nucleotide variant.
Coding change: c.524A>G on transcript NM_022836.4 (MANE Select); coding-DNA position 524, A replaced by G.
Protein change: p.His175Arg; replaces histidine 175 with arginine.
Molecular consequence: missense variant.
Genome position (GRCh38, 1-based): chr1:113,908,177, A>G. VCF-style: chr1-113908177-A-G. GRCh37 (hg19) VCF-style: chr1-114450799-A-G.
Other names: c.146A>G, p.His49Arg (NM_001319946.2, NM_001319947.2, NM_001363691.2); c.524A>G, p.His175Arg (NM_001363690.2); short protein forms H175R, H49R.
Identifiers: ClinVar variation 945540 (VCV000945540.9), dbSNP rs375674908, ClinGen allele CA28978987.